The following is an entry in ClinVar:

ClinVar aggregate classification (germline): Uncertain significance (1 of 4 stars; one submission).

Conditions:
POLD1-related polyposis and colorectal cancer syndrome (CRCS10). Also called: Colorectal cancer 10; COLORECTAL CANCER, SUSCEPTIBILITY TO, ON CHROMOSOME 19q; Colorectal cancer, susceptibility to, 10. Identifiers: Orphanet 220460, MedGen C2675481, MONDO:0012953, OMIM 612591.

Submission:

Labcorp Genetics (formerly Invitae), Labcorp
Classification: Uncertain significance for POLD1-related polyposis and colorectal cancer syndrome. Last evaluated: 2025-08-16. Review status: criteria provided, single submitter. Criteria: Invitae Variant Classification Sherloc (09022015). Collection method: clinical testing. Allele origin: germline.
Comment: This sequence change creates a premature translational stop signal (p.Glu1033*) in the POLD1 gene. Missense variants that disrupt the 3'-5' exonuclease (proof-reading) activity of the POLD1 protein are associated with PPAP (polymerase proofreading–associated polyposis) (PMID: 23263490, 23447401). However, loss-of-function variants that result in an absent or severely disrupted POLD1 protein, and missense variants outside the exonuclease domain, are unlikely to be associated with PPAP. This variant is not present in population databases (gnomAD no frequency). This variant has not been reported in the literature in individuals affected with POLD1-related conditions. ClinVar contains an entry for this variant (Variation ID: 537117). Algorithms developed to predict the effect of sequence changes on RNA splicing suggest that this variant may disrupt the consensus splice site. In summary, the available evidence is currently insufficient to determine the role of this variant in disease. Therefore, it has been classified as a Variant of Uncertain Significance.

Literature cited by the submitters: PubMed 23263490; PubMed 23447401.

NM_002691.4(POLD1):c.3097G>T (p.Glu1033Ter)

Gene: POLD1 (DNA polymerase delta 1, catalytic subunit; plus strand). Cytogenetic location: 19q13.33.
Variant type: single nucleotide variant.
Coding change: c.3097G>T on transcript NM_002691.4 (MANE Select); coding-DNA position 3097, G replaced by T.
Protein change: p.Glu1033Ter; replaces glutamic acid 1033 with a stop codon.
Molecular consequence: nonsense. On other transcripts: non-coding transcript variant (1).
Genome position (GRCh38, 1-based): chr19:50,417,074, G>T. VCF-style: chr19-50417074-G-T. GRCh37 (hg19) VCF-style: chr19-50920331-G-T.
Other names: c.3097G>T, p.Glu1033Ter (NM_001256849.1); c.3175G>T, p.Glu1059Ter (NM_001308632.1); short protein forms E1033*, E1059*.
Identifiers: ClinVar variation 537117 (VCV000537117.8), dbSNP rs1276328747, ClinGen allele CA406987119.